The following is an entry in ClinVar:

ClinVar aggregate classification (germline): Likely benign. Review status: criteria provided, multiple submitters, no conflicts (2 of 4 stars). 4 submissions from 4 submitters: Likely benign (4). Last evaluated 2024-08-13.

Conditions:
Hereditary cancer-predisposing syndrome. Also called: Neoplastic Syndromes, Hereditary; Tumor predisposition; Hereditary Cancer Syndrome; Hereditary neoplastic syndrome. Identifiers: Orphanet 140162, MedGen C0027672, MeSH D009386, MONDO:0015356.
Familial adenomatous polyposis 1 (FAP1). Also called: FAMILIAL ADENOMATOUS POLYPOSIS 1, ATTENUATED; POLYPOSIS, ADENOMATOUS INTESTINAL. Identifiers: MedGen C2713442, MONDO:0021056, OMIM 175100. Disease mechanism: loss of function.
Classic or attenuated familial adenomatous polyposis. Identifiers: MedGen CN372698, MONDO:0021057.

Allele frequency attached by ClinVar (database versions not stated): gnomAD exomes below 0.00001; TOPMed below 0.00001; ExAC 0.00001; gnomAD 0.00001; ESP Exome Variant Server 0.00008.
gnomAD v4.1: 3 of 1,613,896 alleles (0.00019%); highest among the groups gnomAD compares: African/African-American, 0.0027%; no homozygotes.

Submissions (4):

All of Us Research Program, National Institutes of Health
Classification: Likely benign for Classic or attenuated familial adenomatous polyposis. Last evaluated: 2024-08-13. Review status: criteria provided, single submitter. Criteria: ACMG Guidelines, 2015. Collection method: clinical testing. Allele origin: germline. Inheritance: Autosomal dominant inheritance. Observed: 2 variant alleles, 2 heterozygotes.
Comment: This study involves interpretation of variants in research participants for the purpose of population health screening. Participant phenotype was not available at the time of variant classification. Additional details can be found in publication PMID: 35346344, PMCID: PMC8962531

Women's Health and Genetics/Laboratory Corporation of America, LabCorp
Classification: Likely benign. Last evaluated: 2024-03-09. Review status: criteria provided, single submitter. Criteria: LabCorp Variant Classification Summary - May 2015. Collection method: clinical testing. Allele origin: germline.

Labcorp Genetics (formerly Invitae), Labcorp
Classification: Likely benign for Familial adenomatous polyposis 1. Last evaluated: 2022-07-19. Review status: criteria provided, single submitter. Criteria: Invitae Variant Classification Sherloc (09022015). Collection method: clinical testing. Allele origin: germline.

Ambry Genetics
Classification: Likely benign for Hereditary cancer-predisposing syndrome. Last evaluated: 2017-05-16. Review status: criteria provided, single submitter. Criteria: Ambry Variant Classification Scheme 2023. Collection method: clinical testing. Allele origin: germline.

NM_000038.6(APC):c.4359T>C (p.Pro1453=)

Gene: APC (APC regulator of Wnt signaling pathway; plus strand). Cytogenetic location: 5q22.2.
Variant type: single nucleotide variant.
Coding change: c.4359T>C on transcript NM_000038.6 (MANE Select); coding-DNA position 4359, T replaced by C.
Protein change: p.Pro1453=; no amino-acid change (proline 1453 retained).
Molecular consequence: synonymous variant.
Genome position (GRCh38, 1-based): chr5:112,839,953, T>C. VCF-style: chr5-112839953-T-C. GRCh37 (hg19) VCF-style: chr5-112175650-T-C.
Other names: c.4305T>C, p.Pro1435= (NM_001127511.3); c.4359T>C, p.Pro1453= (NM_001354895.2, NM_001127510.3); c.4413T>C, p.Pro1471= (NM_001354896.2); c.4389T>C, p.Pro1463= (NM_001354897.2); c.4284T>C, p.Pro1428= (NM_001354898.2); c.4275T>C, p.Pro1425= (NM_001354899.2); c.4236T>C, p.Pro1412= (NM_001354900.2); c.4182T>C, p.Pro1394= (NM_001354901.2); and 5 more.
Identifiers: ClinVar variation 482477 (VCV000482477.16), dbSNP rs369121091, ClinGen allele CA038770.